The following is an entry in ClinVar:

ClinVar aggregate classification (germline): Uncertain significance (1 of 4 stars; one submission).

Submission:

Labcorp Genetics (formerly Invitae), Labcorp
Classification: Uncertain significance. Last evaluated: 2024-12-14. Review status: criteria provided, single submitter. Criteria: Invitae Variant Classification Sherloc (09022015). Collection method: clinical testing. Allele origin: germline.
Comment: This sequence change replaces serine, which is neutral and polar, with isoleucine, which is neutral and non-polar, at codon 2234 of the ATR protein (p.Ser2234Ile). This variant is not present in population databases (gnomAD no frequency). This variant has not been reported in the literature in individuals affected with ATR-related conditions. An algorithm developed to predict the effect of missense changes on protein structure and function (PolyPhen-2) suggests that this variant is likely to be tolerated. In summary, the available evidence is currently insufficient to determine the role of this variant in disease. Therefore, it has been classified as a Variant of Uncertain Significance.

NM_001184.4(ATR):c.6701G>T (p.Ser2234Ile)

Gene: ATR (ATR checkpoint kinase; minus strand). Cytogenetic location: 3q23.
Variant type: single nucleotide variant.
Coding change: c.6701G>T on transcript NM_001184.4 (MANE Select); coding-DNA position 6701, G replaced by T.
Protein change: p.Ser2234Ile; replaces serine 2234 with isoleucine.
Molecular consequence: missense variant.
Genome position (GRCh38, 1-based): chr3:142,466,520, C>A on the plus strand (G>T on the coding strand, the complement: ATR is on the minus strand). VCF-style: chr3-142466520-C-A. GRCh37 (hg19) VCF-style: chr3-142185362-C-A.
Other names: c.6509G>T, p.Ser2170Ile (NM_001354579.2); short protein forms S2170I, S2234I.
Identifiers: ClinVar variation 3612929 (VCV003612929.2).